The following is an entry in ClinVar:

NM_000041.4(APOE):c.493C>T (p.Arg165Trp)

Gene: APOE (apolipoprotein E; plus strand). Cytogenetic location: 19q13.32.
Variant type: single nucleotide variant.
Coding change: c.493C>T on transcript NM_000041.4 (MANE Select); coding-DNA position 493, C replaced by T.
Protein change: p.Arg165Trp; replaces arginine 165 with tryptophan.
Molecular consequence: missense variant.
Genome position (GRCh38, 1-based): chr19:44,908,789, C>T. VCF-style: chr19-44908789-C-T. GRCh37 (hg19) VCF-style: chr19-45412046-C-T.
Other names: c.571C>T, p.Arg191Trp (NM_001302688.2); c.493C>T, p.Arg165Trp (NM_001302689.2, NM_001302690.2, NM_001302691.2); short protein forms R165W, R191W.
Identifiers: ClinVar variation 4812836 (VCV004812836.1).

ClinVar aggregate classification (germline): Uncertain significance (1 of 4 stars; one submission).

Conditions:
Familial hypercholesterolemia. Also called: Familial hypercholesterolaemia. Identifiers: MedGen C0020445, MONDO:0005439.

gnomAD v4.1: 2 of 1,555,054 alleles (0.00013%); highest among the groups gnomAD compares: Non-Finnish European, 0.000087%; no homozygotes.

Submission:

Cambridge Genomics Laboratory, East Genomic Laboratory Hub, NHS Genomic Medicine Service
Classification: Uncertain significance for Familial hypercholesterolaemia. Last evaluated: 2024-08-08. Review status: criteria provided, single submitter. Criteria: ACGS Best Practice Guidelines for Variant Classification in Rare Disease 2020. Collection method: clinical testing. Allele origin: germline. Affected: yes.
Comment: The p.Arg165Trp variant is novel (not in any individuals) in gnomAD All. The p.Arg165Trp variant is novel (not in any individuals) in 1kG All. (PM2 - Moderate) | The gene APOE contains 7 pathogenic missense variants, indicating that missense variants are a common mechanism of disease in this gene. (PP2 - Supporting) | 2 variants within 6 amino acid positions of the variant p.Arg165Trp have been shown to be pathogenic, while none have been shown to be benign. (PM1_Supporting - Supporting)